The following is an entry in ClinVar:

NM_014956.5(CEP164):c.449T>C (p.Leu150Ser)

Gene: CEP164 (centrosomal protein 164; plus strand). Cytogenetic location: 11q23.3.
Variant type: single nucleotide variant.
Coding change: c.449T>C on transcript NM_014956.5 (MANE Select); coding-DNA position 449, T replaced by C.
Protein change: p.Leu150Ser; replaces leucine 150 with serine.
Molecular consequence: missense variant.
Genome position (GRCh38, 1-based): chr11:117,361,890, T>C. VCF-style: chr11-117361890-T-C. GRCh37 (hg19) VCF-style: chr11-117232606-T-C.
Other names: c.449T>C, p.Leu150Ser (NM_001271933.2, NM_001440949.1, NM_001440950.1 and 36 more transcripts); c.311T>C, p.Leu104Ser (NM_001440960.1); short protein forms L150S, L104S.
Identifiers: ClinVar variation 4997861 (VCV004997861.1).

ClinVar aggregate classification (germline): Uncertain significance (1 of 4 stars; one submission).

Conditions:
CEP164-related disorder. Also called: CEP164-related condition.

gnomAD v4.1: 9 of 1,614,062 alleles (0.00056%); highest among the groups gnomAD compares: East Asian, 0.02%; no homozygotes.

Submission:

PreventionGenetics, part of Exact Sciences
Classification: Uncertain significance for CEP164-related condition. Last evaluated: 2025-07-16. Review status: criteria provided, single submitter. Criteria: ACMG Guidelines, 2015. Collection method: clinical testing. Allele origin: germline.
Comment: The CEP164 c.449T>C variant is predicted to result in the amino acid substitution p.Leu150Ser. To our knowledge, this variant has not been reported in the literature or in a large population database (gnomAD), indicating this variant is rare. At this time, the clinical significance of this variant is uncertain due to the absence of conclusive functional and genetic evidence.